The following is an entry in ClinVar:

NM_194323.3(OTOF):c.3621G>A (p.Leu1207=)

Gene: OTOF (otoferlin; minus strand). Cytogenetic location: 2p23.3.
Variant type: single nucleotide variant.
Coding change: c.3621G>A on transcript NM_194323.3 (MANE Plus Clinical); coding-DNA position 3621, G replaced by A.
Protein change: p.Leu1207=; no amino-acid change (leucine 1207 retained).
Molecular consequence: synonymous variant. On other transcripts: 3 prime UTR variant (3).
Genome position (GRCh38, 1-based): chr2:26,458,112, C>T on the plus strand (G>A on the coding strand, the complement: OTOF is on the minus strand). VCF-style: chr2-26458112-C-T. GRCh37 (hg19) VCF-style: chr2-26680980-C-T.
Other names: c.5922G>A, p.Leu1974= (NM_001287489.2); c.*126G>A (NM_004802.4, NM_194248.3, NM_194322.3).
Identifiers: ClinVar variation 178626 (VCV000178626.19), dbSNP rs73920281, ClinGen allele CA182690.

ClinVar aggregate classification (germline): Conflicting classifications of pathogenicity. Review status: criteria provided, conflicting classifications (1 of 4 stars). 5 submissions from 5 submitters: Uncertain significance (1); Benign (2); Likely benign (2). Last evaluated 2026-02-02.

Conditions:
Autosomal recessive nonsyndromic hearing loss 9. Also called: NEUROSENSORY NONSYNDROMIC RECESSIVE DEAFNESS 9; OTOF-Related Hearing Loss; Deafness, autosomal recessive 9; AUDITORY NEUROPATHY, AUTOSOMAL RECESSIVE, 1, TEMPERATURE-SENSITIVE. Identifiers: Orphanet 90636, MedGen C1832828, MONDO:0010986, OMIM 601071.

Allele frequency attached by ClinVar (database versions not stated): gnomAD exomes 0.00037 and 0.00106; ExAC 0.00139; gnomAD 0.00417 and 0.00438; TOPMed 0.00480; ESP Exome Variant Server 0.00492; 1000 Genomes Project 0.00739; 1000 Genomes Project 30x 0.00765.
gnomAD v4.1: 1,204 of 1,614,194 alleles (0.075%); highest among the groups gnomAD compares: African/African-American, 1.4%; 9 homozygotes.

Submissions (5):

Labcorp Genetics (formerly Invitae), Labcorp
Classification: Benign. Last evaluated: 2026-02-02. Review status: criteria provided, single submitter. Criteria: Invitae Variant Classification Sherloc (09022015). Collection method: clinical testing. Allele origin: germline.

Blueprint Genetics
Classification: Likely benign. Last evaluated: 2024-10-09. Review status: criteria provided, single submitter. Criteria: ACMG Guidelines, 2015. Collection method: clinical testing. Allele origin: germline.

GeneDx
Classification: Likely benign. Last evaluated: 2020-08-21. Review status: criteria provided, single submitter. Criteria: GeneDx Variant Classification Process June 2021. Collection method: clinical testing. Allele origin: germline. Affected: yes.

Illumina Laboratory Services, Illumina
Classification: Uncertain significance for Autosomal recessive nonsyndromic hearing loss 9. Last evaluated: 2018-01-12. Review status: criteria provided, single submitter. Criteria: ICSL Variant Classification Criteria 13 December 2019. Collection method: clinical testing. Allele origin: germline.

Laboratory for Molecular Medicine, Mass General Brigham Personalized Medicine
Classification: Benign. Last evaluated: 2012-05-07. Review status: criteria provided, single submitter. Criteria: LMM Criteria. Collection method: clinical testing. Allele origin: germline. Observed: 2 variant alleles.
Comment: "Leu1207Leu in Exon 29 of OTOF: This variant is not expected to have clinical si gnificance because it does not alter an amino acid residue, is not located withi n the splice consensus sequence, and has been identified in 1.4% (52/3738) of Af rican American chromosomes from a broad population by the NHLBI Exome Sequencing Project (dbSNP rs73920281)."